The following is an entry in ClinVar:

ClinVar aggregate classification (germline): Uncertain significance (1 of 4 stars; one submission).

Conditions:
LAMA5-related disorder. Also called: LAMA5-related condition; LAMA5-Related Disorders.

Allele frequency attached by ClinVar (database versions not stated): ExAC 0.00001; gnomAD 0.00002.
gnomAD v4.1: 32 of 1,612,440 alleles (0.002%); highest among the groups gnomAD compares: Non-Finnish European, 0.0024%; no homozygotes.

Submission:

PreventionGenetics, part of Exact Sciences
Classification: Uncertain significance for LAMA5-related condition. Last evaluated: 2022-09-20. Review status: criteria provided, single submitter. Criteria: ACMG Guidelines, 2015. Collection method: clinical testing. Allele origin: germline.
Comment: The LAMA5 c.8243G>A variant is predicted to result in the amino acid substitution p.Arg2748His. To our knowledge, this variant has not been reported in the literature. This variant is reported in 0.0029% of alleles in individuals of Latino descent in gnomAD. At this time, the clinical significance of this variant is uncertain due to the absence of conclusive functional and genetic evidence.

NM_005560.6(LAMA5):c.8243G>A (p.Arg2748His)

Gene: LAMA5 (laminin subunit alpha 5; minus strand). Cytogenetic location: 20q13.33.
Variant type: single nucleotide variant.
Coding change: c.8243G>A on transcript NM_005560.6 (MANE Select); coding-DNA position 8243, G replaced by A.
Protein change: p.Arg2748His; replaces arginine 2748 with histidine.
Molecular consequence: missense variant.
Genome position (GRCh38, 1-based): chr20:62,314,679, C>T on the plus strand (G>A on the coding strand, the complement: LAMA5 is on the minus strand). VCF-style: chr20-62314679-C-T. GRCh37 (hg19) VCF-style: chr20-60889735-C-T.
Other names: short protein forms R2748H.
Identifiers: ClinVar variation 2634653 (VCV002634653.1), dbSNP rs749238842, ClinGen allele CA9940808.